The following is an entry in ClinVar:

NM_001814.6(CTSC):c.295T>C (p.Tyr99His)

Gene: CTSC (cathepsin C; minus strand). Cytogenetic location: 11q14.2.
Variant type: single nucleotide variant.
Coding change: c.295T>C on transcript NM_001814.6 (MANE Select); coding-DNA position 295, T replaced by C.
Protein change: p.Tyr99His; replaces tyrosine 99 with histidine.
Molecular consequence: missense variant.
Genome position (GRCh38, 1-based): chr11:88,334,960, A>G on the plus strand (T>C on the coding strand, the complement: CTSC is on the minus strand). VCF-style: chr11-88334960-A-G. GRCh37 (hg19) VCF-style: chr11-88068128-A-G.
Other names: c.295T>C, p.Tyr99His (NM_001114173.3, NM_148170.5); short protein forms Y99H.
Identifiers: ClinVar variation 568193 (VCV000568193.5), dbSNP rs997358516, ClinGen allele CA225446807.

ClinVar aggregate classification (germline): Uncertain significance (1 of 4 stars; one submission).

Conditions:
Periodontitis, aggressive. Identifiers: MedGen C0031106, MONDO:0980757.
Haim-Munk syndrome (HMS). Also called: COCHIN JEWISH DISORDER; KERATOSIS PALMOPLANTARIS WITH PERIODONTOPATHIA AND ONYCHOGRYPOSIS. Identifiers: Orphanet 2342, MedGen C1855627, MONDO:0009491, OMIM 245010.
Papillon-Lefèvre syndrome (PALS). Also called: Papillon-Lefevre Disease; KERATOSIS PALMOPLANTARIS WITH PERIODONTOPATHIA. Identifiers: Orphanet 678, MedGen C0030360, MONDO:0009490, OMIM 245000.

Allele frequency attached by ClinVar (database versions not stated): gnomAD exomes below 0.00001; gnomAD 0.00001; TOPMed 0.00001.
gnomAD v4.1: 3 of 1,612,766 alleles (0.00019%); highest among the groups gnomAD compares: Non-Finnish European, 0.00025%; no homozygotes.

Submission:

Labcorp Genetics (formerly Invitae), Labcorp
Classification: Uncertain significance for Haim-Munk syndrome; Periodontitis, aggressive; Papillon-Lefèvre syndrome. Last evaluated: 2018-04-17. Review status: criteria provided, single submitter. Criteria: Invitae Variant Classification Sherloc (09022015). Collection method: clinical testing. Allele origin: germline.
Comment: This sequence change replaces tyrosine with histidine at codon 99 of the CTSC protein (p.Tyr99His). The¬†tyrosine¬†residue is highly conserved and there is a moderate physicochemical difference between¬†tyrosine¬†and histidine. This variant is not present in population databases (ExAC no frequency). This variant has not been reported in the literature in individuals with CTSC-related disease. Algorithms developed to predict the effect of missense changes on protein structure and function do not agree on the potential impact of this missense change (SIFT: "Deleterious"; PolyPhen-2: "Benign"; Align-GVGD: "Class C0"). In summary, the available evidence is currently insufficient to determine the role of this variant in disease. Therefore, it has been classified as a Variant of Uncertain Significance.